The following is an entry in ClinVar:

ClinVar aggregate classification (germline): Likely benign. Review status: criteria provided, multiple submitters, no conflicts (2 of 4 stars). 2 submissions from 2 submitters: Likely benign (2). Last evaluated 2025-10-01.

Conditions:
Hereditary spastic paraplegia 7 (SPG7). Also called: Spastic paraplegia 7; Hereditary spastic paraplegia Paraplegin type; SPASTIC PARAPLEGIA 7, AUTOSOMAL RECESSIVE, WITH OR WITHOUT CEREBELLAR ATAXIA; Autosomal recessive spastic paraplegia type 7; SPG7-related neurologic disorder. Identifiers: Orphanet 99013, MedGen C1846564, MONDO:0011803, OMIM 607259.

Allele frequency attached by ClinVar (database versions not stated): ESP Exome Variant Server 0.00015.
gnomAD v4.1: 184 of 1,613,994 alleles (0.011%); highest among the groups gnomAD compares: Admixed American, 0.015%; no homozygotes.

Submissions (2):

CeGaT Center for Human Genetics Tuebingen
Classification: Likely benign. Last evaluated: 2025-10-01. Review status: criteria provided, single submitter. Criteria: CeGaT Center For Human Genetics Tuebingen Variant Classification Criteria Version 2. Collection method: clinical testing. Allele origin: germline. Affected: yes. Observed: 1 variant allele.
Comment: SPG7: BP4, BP7

Labcorp Genetics (formerly Invitae), Labcorp
Classification: Likely benign for Hereditary spastic paraplegia 7. Last evaluated: 2025-07-15. Review status: criteria provided, single submitter. Criteria: Invitae Variant Classification Sherloc (09022015). Collection method: clinical testing. Allele origin: germline.

NM_003119.4(SPG7):c.1350C>T (p.Ile450=)

Gene: SPG7 (SPG7 matrix AAA peptidase subunit, paraplegin; plus strand). Cytogenetic location: 16q24.3.
Variant type: single nucleotide variant.
Coding change: c.1350C>T on transcript NM_003119.4 (MANE Select); coding-DNA position 1350, C replaced by T.
Protein change: p.Ile450=; no amino-acid change (isoleucine 450 retained).
Molecular consequence: synonymous variant.
Genome position (GRCh38, 1-based): chr16:89,544,673, C>T. VCF-style: chr16-89544673-C-T. GRCh37 (hg19) VCF-style: chr16-89611081-C-T.
Other names: c.1350C>T, p.Ile450= (NM_001363850.1).
Identifiers: ClinVar variation 1152175 (VCV001152175.15), dbSNP rs145124867, ClinGen allele CA8244153.